The following is an entry in ClinVar:

ClinVar aggregate classification (germline): Conflicting classifications of pathogenicity. Review status: criteria provided, conflicting classifications (1 of 4 stars). 3 submissions from 3 submitters: Likely pathogenic (2); Uncertain significance (1). Last evaluated 2025-05-20.

Conditions:
Hereditary cancer-predisposing syndrome. Also called: Tumor predisposition; Neoplastic Syndromes, Hereditary; Hereditary Cancer Syndrome; Hereditary neoplastic syndrome. Identifiers: Orphanet 140162, MedGen C0027672, MeSH D009386, MONDO:0015356.
Ataxia-telangiectasia syndrome (AT). Also called: LOUIS-BAR SYNDROME; Cerebello-oculocutaneous telangiectasia; Immunodeficiency with ataxia telangiectasia; Ataxia telangiectasia (A-T); Ataxia-telangiectasia, complementation group D; AT, COMPLEMENTATION GROUP C. Identifiers: Orphanet 100, MedGen C0004135, MONDO:0008840, OMIM 208900.

Submissions (3):

Ambry Genetics
Classification: Likely pathogenic for Hereditary cancer-predisposing syndrome. Last evaluated: 2025-05-20. Review status: criteria provided, single submitter. Criteria: Ambry Variant Classification Scheme 2023. Collection method: clinical testing. Allele origin: germline.
Comment: The c.6808-1G>A intronic variant results from a G to A substitution one nucleotide upstream from coding exon 46 of the ATM gene. This variant is considered to be rare based on population cohorts in the Genome Aggregation Database (gnomAD). This nucleotide position is highly conserved in available vertebrate species. In silico splice site analysis predicts that this alteration will weaken the native splice acceptor site and may result in the creation or strengthening of a novel splice acceptor site. Alterations that disrupt the canonical splice site are expected to cause aberrant splicing, resulting in an abnormal protein or a transcript that is subject to nonsense-mediated mRNA decay. As such, this alteration is classified as likely pathogenic.

Quest Diagnostics Nichols Institute San Juan Capistrano
Classification: Uncertain significance. Last evaluated: 2025-05-07. Review status: criteria provided, single submitter. Criteria: Quest Diagnostics criteria. Collection method: clinical testing. Allele origin: unknown.

Labcorp Genetics (formerly Invitae), Labcorp
Classification: Likely pathogenic for Ataxia-telangiectasia syndrome. Last evaluated: 2024-05-20. Review status: criteria provided, single submitter. Criteria: Invitae Variant Classification Sherloc (09022015). Collection method: clinical testing. Allele origin: germline.
Comment: This sequence change affects an acceptor splice site in intron 46 of the ATM gene. It is expected to disrupt RNA splicing. Variants that disrupt the donor or acceptor splice site typically lead to a loss of protein function (PMID: 16199547), and loss-of-function variants in ATM are known to be pathogenic (PMID: 23807571, 25614872). This variant is not present in population databases (gnomAD no frequency). This variant has not been reported in the literature in individuals affected with ATM-related conditions. Algorithms developed to predict the effect of sequence changes on RNA splicing suggest that this variant may disrupt the consensus splice site. In summary, the currently available evidence indicates that the variant is pathogenic, but additional data are needed to prove that conclusively. Therefore, this variant has been classified as Likely Pathogenic.

Literature cited by the submitters: PubMed 16199547 (cited by Labcorp Genetics (formerly Invitae), Labcorp); PubMed 23807571 (cited by Labcorp Genetics (formerly Invitae), Labcorp); PubMed 25614872 (cited by Labcorp Genetics (formerly Invitae), Labcorp).

NM_000051.4(ATM):c.6808-1G>A

Genes: ATM (ATM serine/threonine kinase; plus strand), C11orf65 (chromosome 11 open reading frame 65; minus strand). Cytogenetic location: 11q22.3.
Variant type: single nucleotide variant.
Coding change: c.6808-1G>A on transcript NM_000051.4 (MANE Select); the canonical splice acceptor site of the intron before coding-DNA position 6808, G replaced by A.
Molecular consequence: splice acceptor variant. On other transcripts: intron variant (2).
Genome position (GRCh38, 1-based): chr11:108,326,057, G>A. VCF-style: chr11-108326057-G-A. GRCh37 (hg19) VCF-style: chr11-108196784-G-A.
Other names: c.6808-1G>A (NM_001351834.2); c.641-16986C>T (NM_001330368.2); c.*38+9163C>T (NM_001351110.2).
Identifiers: ClinVar variation 2749968 (VCV002749968.4), dbSNP rs2085644916, ClinGen allele CA382556420.
Genomic context (GRCh38, chr11:108,326,057, plus strand): 5'-TATTCATGGTAGTAGTATCAGTAGTAAAAGTATTTATTCCCATATGTCATTTTCATTTCA[G>A]CTCCCTGAAAGGGCAATATTTCAAATTAAACAGTACAATTCAGTTAGCTGTGGAGTCTCT-3'